The following is an entry in ClinVar:

NM_001384140.1(PCDH15):c.675G>C (p.Lys225Asn)

Gene: PCDH15 (protocadherin related 15; minus strand). Cytogenetic location: 10q21.1.
Variant type: single nucleotide variant.
Coding change: c.675G>C on transcript NM_001384140.1 (MANE Select); coding-DNA position 675, G replaced by C.
Protein change: p.Lys225Asn; replaces lysine 225 with asparagine.
Molecular consequence: missense variant. On other transcripts: intron variant (1).
Genome position (GRCh38, 1-based): chr10:54,329,626, C>G on the plus strand (G>C on the coding strand, the complement: PCDH15 is on the minus strand). VCF-style: chr10-54329626-C-G. GRCh37 (hg19) VCF-style: chr10-56089386-C-G.
Other names: c.690G>C, p.Lys230Asn (NM_001142763.2, NM_001142769.4, NM_001142771.2); c.675G>C, p.Lys225Asn (NM_001142764.2, NM_001142765.2, NM_001142766.2 and 7 more transcripts); c.609G>C, p.Lys203Asn (NM_001142768.2, NM_001142773.2, NM_001354404.2); c.595-12185G>C (NM_001142767.2); short protein forms K225N, K203N, K230N.
Identifiers: ClinVar variation 1362178 (VCV001362178.9), dbSNP rs1403705158, ClinGen allele CA376541183.

ClinVar aggregate classification (germline): Uncertain significance. Review status: criteria provided, multiple submitters, no conflicts (2 of 4 stars). 2 submissions from 2 submitters: Uncertain significance (2). Last evaluated 2023-03-14.

Conditions:
Inborn genetic diseases. Identifiers: MedGen C0950123, MeSH D030342.

gnomAD v4.1: 2 of 1,605,016 alleles (0.00012%); highest among the groups gnomAD compares: Non-Finnish European, 0.00017%; no homozygotes.

Submissions (2):

Ambry Genetics
Classification: Uncertain significance for Inborn genetic diseases. Last evaluated: 2023-03-14. Review status: criteria provided, single submitter. Criteria: Ambry Variant Classification Scheme 2023. Collection method: clinical testing. Allele origin: germline.

Labcorp Genetics (formerly Invitae), Labcorp
Classification: Uncertain significance. Last evaluated: 2022-06-20. Review status: criteria provided, single submitter. Criteria: Invitae Variant Classification Sherloc (09022015). Collection method: clinical testing. Allele origin: germline.
Comment: In summary, the available evidence is currently insufficient to determine the role of this variant in disease. Therefore, it has been classified as a Variant of Uncertain Significance. Algorithms developed to predict the effect of missense changes on protein structure and function are either unavailable or do not agree on the potential impact of this missense change (SIFT: "Tolerated"; PolyPhen-2: "Probably Damaging"; Align-GVGD: "Class C0"). This variant has not been reported in the literature in individuals affected with PCDH15-related conditions. This variant is not present in population databases (gnomAD no frequency). This sequence change replaces lysine, which is basic and polar, with asparagine, which is neutral and polar, at codon 225 of the PCDH15 protein (p.Lys225Asn).